The following is an entry in ClinVar:

ClinVar aggregate classification (germline): Benign (1 of 4 stars; one submission).

Allele frequency attached by ClinVar (database versions not stated): gnomAD 0.24136 and 0.25607; TOPMed 0.26151; 1000 Genomes Project 30x 0.35806; 1000 Genomes Project 0.37061.
gnomAD v4.1: 39,080 of 152,060 alleles (26%); highest among the groups gnomAD compares: South Asian, 64%; 5,634 homozygotes.

Submission:

GeneDx
Classification: Benign. Last evaluated: 2018-06-14. Review status: criteria provided, single submitter. Criteria: GeneDx Variant Classification (06012015). Collection method: clinical testing. Allele origin: germline. Affected: yes.
Comment: This variant is considered likely benign or benign based on one or more of the following criteria: it is a conservative change, it occurs at a poorly conserved position in the protein, it is predicted to be benign by multiple in silico algorithms, and/or has population frequency not consistent with disease.

NM_004320.6(ATP2A1):c.464-236G>A

Gene: ATP2A1 (ATPase sarcoplasmic/endoplasmic reticulum Ca2+ transporting 1; plus strand). Cytogenetic location: 16p11.2.
Variant type: single nucleotide variant.
Coding change: c.464-236G>A on transcript NM_004320.6 (MANE Select); 236 bases into the intron before coding-DNA position 464, G replaced by A.
Molecular consequence: intron variant.
Genome position (GRCh38, 1-based): chr16:28,884,339, G>A. VCF-style: chr16-28884339-G-A. GRCh37 (hg19) VCF-style: chr16-28895660-G-A.
Other names: c.464-236G>A (NM_173201.5); c.89-236G>A (NM_001286075.2).
Identifiers: ClinVar variation 680012 (VCV000680012.1), dbSNP rs11644151, ClinGen allele CA14217699.
Genomic context (GRCh38, chr16:28,884,339, plus strand): 5'-CCCATCCCTTCTCAGGGCTCACAGCCAGTGGGAAGAGATGTGGGAGTTCAAGACCAGCCT[G>A]AGCAACAGAGCGAGACTCCATCTCGCCGTGGACACGGGGGCAGAAGGGATGGGTGTCACG-3'